The following is an entry in ClinVar:

NM_000090.4(COL3A1):c.863G>T (p.Gly288Val)

Gene: COL3A1 (collagen type III alpha 1 chain; plus strand). Cytogenetic location: 2q32.2.
Variant type: single nucleotide variant.
Coding change: c.863G>T on transcript NM_000090.4 (MANE Select); coding-DNA position 863, G replaced by T.
Protein change: p.Gly288Val; replaces glycine 288 with valine.
Molecular consequence: missense variant.
Genome position (GRCh38, 1-based): chr2:188,991,497, G>T. VCF-style: chr2-188991497-G-T. GRCh37 (hg19) VCF-style: chr2-189856223-G-T.
Other names: short protein forms G288V.
Identifiers: ClinVar variation 4855259 (VCV004855259.1).

ClinVar aggregate classification (germline): Likely pathogenic (1 of 4 stars; one submission).

Conditions:
Ehlers-Danlos syndrome, type 4 (EDSVASC). Also called: Ehlers-Danlos syndrome vascular type; Ehlers Danlos syndrome, ecchymotic type; Ehlers Danlos syndrome, arterial type; Ehlers Danlos syndrome, Sack-Barabas type; Ehlers-Danlos Syndrome Type IV. Identifiers: Orphanet 286, MedGen C0268338, MONDO:0017314, OMIM 130050.

Submission:

3billion
Classification: Likely pathogenic for Ehlers-Danlos syndrome, type 4. Last evaluated: 2025-12-17. Review status: criteria provided, single submitter. Criteria: ACMG Guidelines, 2015. Collection method: clinical testing. Allele origin: germline. Affected: yes.
Comment: The variant is not observed in the gnomAD v4.1.0 dataset. Predicted Consequence/Location: The variant is located in a mutational hot spot and/or well-established functional domain in which established pathogenic variants have been reported. In silico tool predictions suggest damaging effect of the variant on gene or gene product [REVEL: 0.99 (>=0.6, sensitivity 0.68 and specificity 0.92); 3Cnet: 0.99 (> 0.75, sensitivity 0.96 and precision 0.92)]. Different missense changes at the same codon (p.Gly288Cys, p.Gly288Ser) have been reported as pathogenic/likely pathogenic with strong evidence (ClinVar ID: VCV000973216, VCV001500982 /PMID: 32371413). Therefore, this variant is classified as Likely pathogenic according to the recommendation of ACMG/AMP guideline.

Literature cited by the submitters: PubMed 32371413.